The following is an entry in ClinVar:

NM_182914.3(SYNE2):c.1412A>G (p.Asn471Ser)

Gene: SYNE2 (spectrin repeat containing nuclear envelope protein 2; plus strand). Cytogenetic location: 14q23.2.
Variant type: single nucleotide variant.
Coding change: c.1412A>G on transcript NM_182914.3 (MANE Select); coding-DNA position 1412, A replaced by G.
Protein change: p.Asn471Ser; replaces asparagine 471 with serine.
Molecular consequence: missense variant.
Genome position (GRCh38, 1-based): chr14:63,978,857, A>G. VCF-style: chr14-63978857-A-G. GRCh37 (hg19) VCF-style: chr14-64445575-A-G.
Other names: c.1412A>G, p.Asn471Ser (NM_015180.6); short protein forms N471S.
Identifiers: ClinVar variation 649515 (VCV000649515.8), dbSNP rs1596005286, ClinGen allele CA389956667.

ClinVar aggregate classification (germline): Uncertain significance (1 of 4 stars; one submission).

Conditions:
Emery-Dreifuss muscular dystrophy 5, autosomal dominant (EDMD5). Also called: EMERY-DREIFUSS MUSCULAR DYSTROPHY 5. Identifiers: Orphanet 261, MedGen C2751805, MONDO:0013072, OMIM 612999.

Submission:

Labcorp Genetics (formerly Invitae), Labcorp
Classification: Uncertain significance for Emery-Dreifuss muscular dystrophy 5, autosomal dominant. Last evaluated: 2018-08-16. Review status: criteria provided, single submitter. Criteria: Invitae Variant Classification Sherloc (09022015). Collection method: clinical testing. Allele origin: germline.
Comment: Algorithms developed to predict the effect of missense changes on protein structure and function output the following: SIFT: "Tolerated"; PolyPhen-2: "Benign"; Align-GVGD: "Class C0". The serine amino acid residue is found in multiple mammalian species, suggesting that this missense change does not adversely affect protein function. These predictions have not been confirmed by published functional studies and their clinical significance is uncertain. In summary, the available evidence is currently insufficient to determine the role of this variant in disease. Therefore, it has been classified as a Variant of Uncertain Significance. This variant has not been reported in the literature in individuals with SYNE2-related disease. This sequence change replaces asparagine with serine at codon 471 of the SYNE2 protein (p.Asn471Ser). The asparagine residue is weakly conserved and there is a small physicochemical difference between asparagine and serine. This variant is not present in population databases (ExAC no frequency).